The following is an entry in ClinVar:

NM_000264.5(PTCH1):c.3457T>C (p.Phe1153Leu)

Gene: PTCH1 (patched 1; minus strand). Cytogenetic location: 9q22.32.
Variant type: single nucleotide variant.
Coding change: c.3457T>C on transcript NM_000264.5 (MANE Select); coding-DNA position 3457, T replaced by C.
Protein change: p.Phe1153Leu; replaces phenylalanine 1153 with leucine.
Molecular consequence: missense variant. On other transcripts: non-coding transcript variant (1).
Genome position (GRCh38, 1-based): chr9:95,449,933, A>G on the plus strand (T>C on the coding strand, the complement: PTCH1 is on the minus strand). VCF-style: chr9-95449933-A-G. GRCh37 (hg19) VCF-style: chr9-98212215-A-G.
Other names: c.3259T>C, p.Phe1087Leu (NM_001083602.3); c.3454T>C, p.Phe1152Leu (NM_001083603.3); c.3004T>C, p.Phe1002Leu (NM_001083604.3, NM_001083605.3, NM_001083606.3 and 1 more transcripts); c.3301T>C, p.Phe1101Leu (NM_001354918.2); short protein forms F1002L, F1087L, F1101L, F1152L, F1153L.
Identifiers: ClinVar variation 1712831 (VCV001712831.2), dbSNP rs2538021649, ClinGen allele CA374111617.
Genomic context (GRCh38, chr9:95,449,933, plus strand): 5'-CGGGAAGCAAAACCAGCCCATTGAGAACGCCGAGGATGGTGAGGATCGCCAGCACAGCAA[A>G]GAAATACCTGGGAGATCAAGAGGAAACGGGAACACGCGCTGTGACAGGGTGGATCGCGCC-3'
Protein context (NP_000255.2, residues 1143-1163): SEFDFIVRYF[Phe1153Leu]AVLAILTILG

ClinVar aggregate classification (germline): Uncertain significance (1 of 4 stars; one submission).

Submission:

GeneDx
Classification: Uncertain significance. Last evaluated: 2022-04-29. Review status: criteria provided, single submitter. Criteria: GeneDx Variant Classification Process June 2021. Collection method: clinical testing. Allele origin: germline. Affected: yes.
Comment: Not observed at significant frequency in large population cohorts (gnomAD); In silico analysis supports that this missense variant has a deleterious effect on protein structure/function; Missense variant in a gene in which most reported pathogenic variants are truncating/loss of function; Has not been previously published as pathogenic or benign to our knowledge